The following is an entry in ClinVar:

NM_032885.6(ATG4D):c.1041C>T (p.Tyr347=)

Gene: ATG4D (autophagy related 4D cysteine peptidase; plus strand). Cytogenetic location: 19p13.2.
Variant type: single nucleotide variant.
Coding change: c.1041C>T on transcript NM_032885.6 (MANE Select); coding-DNA position 1041, C replaced by T.
Protein change: p.Tyr347=; no amino-acid change (tyrosine 347 retained).
Molecular consequence: synonymous variant. On other transcripts: non-coding transcript variant (2).
Genome position (GRCh38, 1-based): chr19:10,551,971, C>T. VCF-style: chr19-10551971-C-T. GRCh37 (hg19) VCF-style: chr19-10662647-C-T.
Other names: c.852C>T, p.Tyr284= (NM_001281504.2).
Identifiers: ClinVar variation 3389792 (VCV003389792.14).

ClinVar aggregate classification (germline): Likely benign (1 of 4 stars; one submission).

Submission:

CeGaT Center for Human Genetics Tuebingen
Classification: Likely benign. Last evaluated: 2024-09-01. Review status: criteria provided, single submitter. Criteria: CeGaT Center For Human Genetics Tuebingen Variant Classification Criteria Version 2. Collection method: clinical testing. Allele origin: germline. Affected: yes. Observed: 1 variant allele.
Comment: ATG4D: PM2:Supporting, BP4, BP7